The following is an entry in ClinVar:

ClinVar aggregate classification (germline): Uncertain significance (1 of 4 stars; one submission).

gnomAD v4.1: 50 of 1,614,130 alleles (0.0031%); highest among the groups gnomAD compares: African/African-American, 0.036%; no homozygotes.

Submission:

Greenwood Genetic Center Diagnostic Laboratories, Greenwood Genetic Center
Classification: Uncertain significance. Last evaluated: 2026-05-06. Review status: criteria provided, single submitter. Criteria: ACMG Guidelines, 2015. Collection method: clinical testing. Allele origin: germline.
Comment: PM2, BP4

NM_015533.4(TKFC):c.1505C>T (p.Ala502Val)

Gene: TKFC (triokinase and FMN cyclase; plus strand). Cytogenetic location: 11q12.2.
Variant type: single nucleotide variant.
Coding change: c.1505C>T on transcript NM_015533.4 (MANE Select); coding-DNA position 1505, C replaced by T.
Protein change: p.Ala502Val; replaces alanine 502 with valine.
Molecular consequence: missense variant.
Genome position (GRCh38, 1-based): chr11:61,345,876, C>T. VCF-style: chr11-61345876-C-T. GRCh37 (hg19) VCF-style: chr11-61113348-C-T.
Other names: c.1505C>T, p.Ala502Val (NM_001351976.2, NM_001351977.2, NM_001351978.2 and 1 more transcripts); c.1295C>T, p.Ala432Val (NM_001351980.2); short protein forms A432V, A502V.
Identifiers: ClinVar variation 4891055 (VCV004891055.1).